The following is an entry in ClinVar:

NM_024664.4(PPCS):c.698A>T (p.Glu233Val)

Genes: CCDC30 (coiled-coil domain containing 30; plus strand), PPCS (phosphopantothenoylcysteine synthetase; plus strand). Cytogenetic location: 1p34.2.
Variant type: single nucleotide variant.
Coding change: c.698A>T on transcript NM_024664.4 (MANE Select); coding-DNA position 698, A replaced by T.
Protein change: p.Glu233Val; replaces glutamic acid 233 with valine.
Molecular consequence: missense variant. On other transcripts: intron variant (2).
Genome position (GRCh38, 1-based): chr1:42,459,688, A>T. VCF-style: chr1-42459688-A-T. GRCh37 (hg19) VCF-style: chr1-42925359-A-T.
Other names: c.179A>T, p.Glu60Val (NM_001077447.3, NM_001287506.1, NM_001287508.2 and 2 more transcripts); c.80A>T, p.Glu27Val (NM_001287507.1); c.-880+2338A>T (NM_001355226.2); c.612+2338A>T (NM_001287511.2); short protein forms E233V, E60V, E27V.
Identifiers: ClinVar variation 590782 (VCV000590782.8), dbSNP rs1557778277, ClinGen allele CA339949487.

ClinVar aggregate classification (germline): Pathogenic/Likely pathogenic. Review status: criteria provided, multiple submitters, no conflicts (2 of 4 stars). 3 submissions from 3 submitters: Pathogenic (1); Likely pathogenic (1). 1 of the submissions does not count toward it. Last evaluated 2025-02-03.

Conditions:
Cardiomyopathy, dilated, 2c. Identifiers: MedGen C4748647, MONDO:0032592, OMIM 618189.

Allele frequency attached by ClinVar (database versions not stated): TOPMed below 0.00001.

Submissions (3):

3billion
Classification: Likely pathogenic for Cardiomyopathy, dilated, 2c. Last evaluated: 2025-02-03. Review status: criteria provided, single submitter. Criteria: ACMG Guidelines, 2015. Collection method: clinical testing. Allele origin: germline. Affected: yes.
Comment: The variant is not observed in the gnomAD v4.1.0 dataset. Predicted Consequence/Location: Missense variant Functional studies provide moderate evidence of the variant having a damaging effect on the gene or gene product (PMID: 29754768). In silico tool predictions suggest damaging effect of the variant on gene or gene product [REVEL: 0.72 (>=0.6, sensitivity 0.68 and specificity 0.92); 3Cnet: 0.94 (>=0.6, sensitivity 0.72 and precision 0.9)]. The same nucleotide change resulting in the same amino acid change has been previously reported to be associated with PPCS-related disorder (ClinVar ID: VCV000590782 /PMID: 29754768).The variant has been reported to co-segregate with the disease in at least 3 similarly affected relatives/individuals in the same family or similarly affected unrelated family (PMID: 29754768). Therefore, this variant is classified as Likely pathogenic according to the recommendation of ACMG/AMP guideline.

Labcorp Genetics (formerly Invitae), Labcorp
Classification: Pathogenic. Last evaluated: 2024-07-23. Review status: criteria provided, single submitter. Criteria: Invitae Variant Classification Sherloc (09022015). Collection method: clinical testing. Allele origin: germline.
Comment: This sequence change replaces glutamic acid, which is acidic and polar, with valine, which is neutral and non-polar, at codon 233 of the PPCS protein (p.Glu233Val). This variant is not present in population databases (gnomAD no frequency). This missense change has been observed in individual(s) with dilated cardiomyopathy (PMID: 29754768). It has also been observed to segregate with disease in related individuals. ClinVar contains an entry for this variant (Variation ID: 590782). Advanced modeling of protein sequence and biophysical properties (such as structural, functional, and spatial information, amino acid conservation, physicochemical variation, residue mobility, and thermodynamic stability) performed at Invitae indicates that this missense variant is expected to disrupt PPCS protein function with a positive predictive value of 80%. Experimental studies have shown that this missense change affects PPCS function (PMID: 29754768). For these reasons, this variant has been classified as Pathogenic.

OMIM
Classification: Pathogenic for CARDIOMYOPATHY, DILATED, 2C. Last evaluated: 2018-11-15. Review status: no assertion criteria provided. Collection method: literature only. Allele origin: germline. Not counted in ClinVar's aggregate classification.

Literature cited by the submitters: PubMed 29754768 (cited by 3 submitters).